The following is an entry in ClinVar:

ClinVar aggregate classification (germline): Conflicting classifications of pathogenicity. Review status: criteria provided, conflicting classifications (1 of 4 stars). 3 submissions from 3 submitters: Uncertain significance (2); Likely benign (1). Last evaluated 2026-01-26.

Conditions:
Familial cancer of breast. Also called: BREAST CANCER, FAMILIAL; hereditary breast carcinoma; Hereditary breast cancer. Identifiers: Orphanet 227535, MedGen C0346153, MONDO:0016419, OMIM 114480. Disease mechanism: loss of function.
Hereditary cancer-predisposing syndrome. Also called: Neoplastic Syndromes, Hereditary; Tumor predisposition; Hereditary Cancer Syndrome; Hereditary neoplastic syndrome. Identifiers: Orphanet 140162, MedGen C0027672, MeSH D009386, MONDO:0015356.

Allele frequency attached by ClinVar (database versions not stated): gnomAD 0.00001.
gnomAD v4.1: 1 of 1,614,024 alleles (0.000062%); highest among the groups gnomAD compares: Non-Finnish European, 0.000085%; no homozygotes.

Submissions (3):

Labcorp Genetics (formerly Invitae), Labcorp
Classification: Uncertain significance for Familial cancer of breast. Last evaluated: 2026-01-26. Review status: criteria provided, single submitter. Criteria: Invitae Variant Classification Sherloc (09022015). Collection method: clinical testing. Allele origin: germline.
Comment: This sequence change replaces valine, which is neutral and non-polar, with isoleucine, which is neutral and non-polar, at codon 348 of the BARD1 protein (p.Val348Ile). This variant is present in population databases (no rsID available, gnomAD 0.007%). This missense change has been observed in individual(s) with breast cancer (PMID: 26976419). ClinVar contains an entry for this variant (Variation ID: 460686). An algorithm developed to predict the effect of missense changes on protein structure and function outputs the following: PolyPhen-2: "Benign". The isoleucine amino acid residue is found in multiple mammalian species, which suggests that this missense change does not adversely affect protein function. In summary, the available evidence is currently insufficient to determine the role of this variant in disease. Therefore, it has been classified as a Variant of Uncertain Significance.

Ambry Genetics
Classification: Likely benign for Hereditary cancer-predisposing syndrome. Last evaluated: 2025-05-20. Review status: criteria provided, single submitter. Criteria: Ambry Variant Classification Scheme 2023. Collection method: clinical testing. Allele origin: germline.

GeneDx
Classification: Uncertain significance. Last evaluated: 2019-07-15. Review status: criteria provided, single submitter. Criteria: GeneDx Variant Classification Process June 2021. Collection method: clinical testing. Allele origin: germline. Affected: yes.
Comment: Not observed at a significant frequency in large population cohorts (Lek et al., 2016); In silico analysis, which includes protein predictors and evolutionary conservation, supports that this variant does not alter protein structure/function; This variant is associated with the following publications: (PMID: 26976419)

Literature cited by the submitters: PubMed 26976419 (cited by Labcorp Genetics (formerly Invitae), Labcorp and Ambry Genetics).

NM_000465.4(BARD1):c.1042G>A (p.Val348Ile)

Gene: BARD1 (BRCA1 associated RING domain 1; minus strand). Cytogenetic location: 2q35.
Variant type: single nucleotide variant.
Coding change: c.1042G>A on transcript NM_000465.4 (MANE Select); coding-DNA position 1042, G replaced by A.
Protein change: p.Val348Ile; replaces valine 348 with isoleucine.
Molecular consequence: missense variant. On other transcripts: non-coding transcript variant (2), intron variant (3).
Genome position (GRCh38, 1-based): chr2:214,780,832, C>T on the plus strand (G>A on the coding strand, the complement: BARD1 is on the minus strand). VCF-style: chr2-214780832-C-T. GRCh37 (hg19) VCF-style: chr2-215645556-C-T.
Other names: c.985G>A, p.Val329Ile (NM_001282543.2); c.159-28277G>A (NM_001282548.2); c.215+16229G>A (NM_001282545.2); c.364+11465G>A (NM_001282549.2); short protein forms V348I, V329I.
Identifiers: ClinVar variation 460686 (VCV000460686.16), dbSNP rs1315898207, ClinGen allele CA350454199.